The following is an entry in ClinVar:

NM_002354.3(EPCAM):c.856C>T (p.Leu286=)

Gene: EPCAM (epithelial cell adhesion molecule; plus strand). Cytogenetic location: 2p21.
Variant type: single nucleotide variant.
Coding change: c.856C>T on transcript NM_002354.3 (MANE Select); coding-DNA position 856, C replaced by T.
Protein change: p.Leu286=; no amino-acid change (leucine 286 retained).
Molecular consequence: synonymous variant.
Genome position (GRCh38, 1-based): chr2:47,379,967, C>T. VCF-style: chr2-47379967-C-T. GRCh37 (hg19) VCF-style: chr2-47607106-C-T.
Identifiers: ClinVar variation 2571077 (VCV002571077.27), dbSNP rs2103759532, ClinGen allele CA425951366.

ClinVar aggregate classification (germline): Likely benign (1 of 4 stars; one submission).

Submission:

CeGaT Center for Human Genetics Tuebingen
Classification: Likely benign. Last evaluated: 2023-05-01. Review status: criteria provided, single submitter. Criteria: CeGaT Center For Human Genetics Tuebingen Variant Classification Criteria Version 2. Collection method: clinical testing. Allele origin: germline. Affected: yes. Observed: 1 variant allele.
Comment: EPCAM: PM2:Supporting, BP4, BP7